The following is an entry in ClinVar:

NM_025137.4(SPG11):c.7202T>C (p.Leu2401Ser)

Gene: SPG11 (SPG11 vesicle trafficking associated, spatacsin; minus strand). Cytogenetic location: 15q21.1.
Variant type: single nucleotide variant.
Coding change: c.7202T>C on transcript NM_025137.4 (MANE Select); coding-DNA position 7202, T replaced by C.
Protein change: p.Leu2401Ser; replaces leucine 2401 with serine.
Molecular consequence: missense variant.
Genome position (GRCh38, 1-based): chr15:44,563,251, A>G on the plus strand (T>C on the coding strand, the complement: SPG11 is on the minus strand). VCF-style: chr15-44563251-A-G. GRCh37 (hg19) VCF-style: chr15-44855449-A-G.
Other names: c.6863T>C, p.Leu2288Ser (NM_001160227.2); short protein forms L2288S, L2401S.
Identifiers: ClinVar variation 647030 (VCV000647030.4), dbSNP rs139812925, ClinGen allele CA7533852.

ClinVar aggregate classification (germline): Uncertain significance. Review status: criteria provided, multiple submitters, no conflicts (2 of 4 stars). 2 submissions from 2 submitters: Uncertain significance (2). Last evaluated 2023-01-18.

Conditions:
Hereditary spastic paraplegia 11. Also called: Spastic Paraplegia 11; SPASTIC PARAPLEGIA, AUTOSOMAL RECESSIVE, COMPLICATED, WITH THIN CORPUS CALLOSUM; SPASTIC PARAPLEGIA, AUTOSOMAL RECESSIVE, WITH MENTAL IMPAIRMENT AND THIN CORPUS CALLOSUM; Spastic paraplegia, mental retardation and thin corpus callosum; Nakamura Osame syndrome; Autosomal recessive hereditary spastic paraplegia, mental impairment, and thin corpus callosum. Identifiers: Orphanet 2822, MedGen C1858479, MONDO:0011445, OMIM 604360.

Allele frequency attached by ClinVar (database versions not stated): gnomAD 0.00003 and 0.00004; gnomAD exomes 0.00003 and 0.00008; TOPMed 0.00004; ExAC 0.00006; ESP Exome Variant Server 0.00008.
gnomAD v4.1: 22 of 1,613,910 alleles (0.0014%); highest among the groups gnomAD compares: Admixed American, 0.03%; no homozygotes.

Submissions (2):

GeneDx
Classification: Uncertain significance. Last evaluated: 2023-01-18. Review status: criteria provided, single submitter. Criteria: GeneDx Variant Classification Process June 2021. Collection method: clinical testing. Allele origin: germline. Affected: yes.
Comment: In silico analysis supports that this missense variant has a deleterious effect on protein structure/function; Has not been previously published as pathogenic or benign to our knowledge

Labcorp Genetics (formerly Invitae), Labcorp
Classification: Uncertain significance for Hereditary spastic paraplegia 11. Last evaluated: 2022-08-16. Review status: criteria provided, single submitter. Criteria: Invitae Variant Classification Sherloc (09022015). Collection method: clinical testing. Allele origin: germline.
Comment: This sequence change replaces leucine, which is neutral and non-polar, with serine, which is neutral and polar, at codon 2401 of the SPG11 protein (p.Leu2401Ser). This variant is present in population databases (rs139812925, gnomAD 0.05%). This variant has not been reported in the literature in individuals affected with SPG11-related conditions. ClinVar contains an entry for this variant (Variation ID: 647030). Algorithms developed to predict the effect of missense changes on protein structure and function are either unavailable or do not agree on the potential impact of this missense change (SIFT: "Tolerated"; PolyPhen-2: "Probably Damaging"; Align-GVGD: "Class C0"). In summary, the available evidence is currently insufficient to determine the role of this variant in disease. Therefore, it has been classified as a Variant of Uncertain Significance.